The following continues an entry in ClinVar:

NM_007294.4(BRCA1):c.514del (p.Gln172fs)

Gene: BRCA1. ClinVar aggregate classification (germline): Pathogenic. Pathogenic (1).

Submissions 10 to 17 of 17:

Genetics and Molecular Pathology, SA Pathology
Classification: Pathogenic for Breast-ovarian cancer, familial, susceptibility to, 1. Last evaluated: 2021-04-26. Review status: criteria provided, single submitter. Criteria: ACMG Guidelines, 2015. Collection method: clinical testing. Allele origin: germline. Affected: yes. Not counted in ClinVar's aggregate classification.
Comment: The BRCA1 c.514delC variant is classified as Pathogenic (PVS1, PM2_Supporting, PP5) This BRCA1 c.514delC variant is located in exon Missing Exon and is predicted to cause a shift in the reading frame at codon 172. This variant is absent from population databases (PM2). The variant has been reported in dbSNP (rs80357872) and has been reported as Pathogenic by other diagnostic laboratories (ClinVar Variation ID: 55421). It has not been reported in HGMD. literature: Finch et al., 2016, PMID:26219728, Wong-Brown et al., 2015, PMID:25682074, Ghiorzo et al., 2012, PMID:21989927, Miolo et al., 2009, PMID:19818148, Tai et al., 2007, PMID:18042939, Russo et al., 2007, PMID:17221156, Nanda et al., 2005, PMID:16234499, van Orsouw et al., 1999, PMID:10528853, Azzollini et al., 2016, PMID:27062684, Nedelcu et al., 2002, PMID:11938448, Lu et al., 2015, PMID:26689913, Huang et al., 2018, PMID:29625052, Fanale et al., 2020, PMID:32854451

Consortium of Investigators of Modifiers of BRCA1/2 (CIMBA), c/o University of Cambridge
Classification: Pathogenic for Breast-ovarian cancer, familial, susceptibility to, 1. Last evaluated: 2015-10-02. Review status: criteria provided, single submitter. Criteria: CIMBA Mutation Classification guidelines May 2016. Collection method: clinical testing. Allele origin: germline. Not counted in ClinVar's aggregate classification.

Quest Diagnostics Nichols Institute San Juan Capistrano
Classification: Pathogenic. Last evaluated: 2015-07-03. Review status: criteria provided, single submitter. Criteria: Quest Diagnostics criteria. Collection method: clinical testing. Allele origin: germline. Not counted in ClinVar's aggregate classification.

Research Molecular Genetics Laboratory, Women's College Hospital, University of Toronto
Classification: Pathogenic for Hereditary breast ovarian cancer syndrome. Last evaluated: 2014-01-31. Review status: no assertion criteria provided. Collection method: research. Allele origin: germline. Affected: yes. Study: The Canadian Open Genetics Repository (COGR). Not counted in ClinVar's aggregate classification.

Foulkes Cancer Genetics LDI, Lady Davis Institute for Medical Research
Classification: Pathogenic for Breast and/or ovarian cancer. Last evaluated: 2013-12-03. Review status: no assertion criteria provided. Collection method: clinical testing. Allele origin: germline. Study: The Canadian Open Genetics Repository (COGR). Not counted in ClinVar's aggregate classification.

Sharing Clinical Reports Project (SCRP)
Classification: Pathogenic for Breast-ovarian cancer, familial 1. Last evaluated: 2009-11-23. Review status: no assertion criteria provided. Collection method: clinical testing. Allele origin: germline. Not counted in ClinVar's aggregate classification.

Breast Cancer Information Core (BIC) (BRCA1)
Classification: Pathogenic for Breast-ovarian cancer, familial 1. Last evaluated: 1999-12-30. Review status: no assertion criteria provided. Collection method: clinical testing. Allele origin: germline. Affected: yes. Observed: 24 variant alleles. Not counted in ClinVar's aggregate classification.

Department of Pathology and Laboratory Medicine, Sinai Health System
Classification: Pathogenic for Breast-ovarian cancer, familial, susceptibility to, 1. Review status: no assertion criteria provided. Collection method: clinical testing. Allele origin: unknown. Affected: yes. Study: The Canadian Open Genetics Repository (COGR). Not counted in ClinVar's aggregate classification.
Comment: The p.Gln172AsnfsX62 deletion variant has been previously reported in the literature in at least 2 of 178 proband chromosomes in individuals or families with pancreatic and breast cancer (Ghiorzo 2012, van Orsouw 1999). The variant was also reported in HGMD, the UMD (3x as causal) and in the BIC (23x as clinically important) databases. It is predicted to cause a frameshift, which alters the protein's amino acid sequence beginning at codon 172 and leads to a premature stop codon 62 codons downstream. This alteration is then predicted to result in a truncated or absent protein and loss of function. Loss of function variants of the BRCA1 gene are an established mechanism of hereditary breast and ovarian cancer. In summary, based on the above information, this variant is classified as pathogenic.

Literature cited by the submitters: PubMed 20104584 (cited by Labcorp Genetics (formerly Invitae), Labcorp); PubMed 10528853 (cited by 3 submitters); PubMed 17591842 (cited by Labcorp Genetics (formerly Invitae), Labcorp and Color Diagnostics, LLC DBA Color Health); PubMed 21989927 (cited by 4 submitters); PubMed 25682074 (cited by 5 submitters); PubMed 26219728 (cited by 4 submitters); PubMed 11938448 (cited by Ambry Genetics and Genetics and Molecular Pathology, SA Pathology); PubMed 16234499 (cited by Ambry Genetics and Genetics and Molecular Pathology, SA Pathology); PubMed 17221156 (cited by 3 submitters); PubMed 19818148 (cited by Ambry Genetics and Genetics and Molecular Pathology, SA Pathology); PubMed 26689913 (cited by Ambry Genetics and Genetics and Molecular Pathology, SA Pathology); PubMed 29625052 (cited by Ambry Genetics and Genetics and Molecular Pathology, SA Pathology); PubMed 30128899 (cited by Ambry Genetics and Color Diagnostics, LLC DBA Color Health); PubMed 32380732 (cited by Ambry Genetics); PubMed 32854451 (cited by 3 submitters); PubMed 33573335 (cited by Ambry Genetics and Color Diagnostics, LLC DBA Color Health); PubMed 18042939 (cited by Women's Health and Genetics/Laboratory Corporation of America, LabCorp and Genetics and Molecular Pathology, SA Pathology); PubMed 27062684 (cited by Women's Health and Genetics/Laboratory Corporation of America, LabCorp and Genetics and Molecular Pathology, SA Pathology); PubMed 26295337 (cited by Quest Diagnostics Nichols Institute San Juan Capistrano).